The following is an entry in ClinVar:

ClinVar aggregate classification (germline): Uncertain significance (1 of 4 stars; one submission).

Conditions:
LAMA2-related muscular dystrophy (LAMA2-RD). Also called: Laminin alpha 2-related dystrophy. Identifiers: MedGen C5679788, MONDO:0100228.

Allele frequency attached by ClinVar (database versions not stated): gnomAD exomes below 0.00001 and 0.00001; gnomAD 0.00001; TOPMed 0.00001.
gnomAD v4.1: 13 of 1,613,978 alleles (0.00081%); highest among the groups gnomAD compares: Non-Finnish European, 0.001%; no homozygotes.

Submission:

Labcorp Genetics (formerly Invitae), Labcorp
Classification: Uncertain significance for LAMA2-related muscular dystrophy. Last evaluated: 2022-03-08. Review status: criteria provided, single submitter. Criteria: Invitae Variant Classification Sherloc (09022015). Collection method: clinical testing. Allele origin: germline.
Comment: This sequence change replaces isoleucine, which is neutral and non-polar, with threonine, which is neutral and polar, at codon 1296 of the LAMA2 protein (p.Ile1296Thr). This variant is present in population databases (no rsID available, gnomAD 0.002%). This variant has not been reported in the literature in individuals affected with LAMA2-related conditions. Advanced modeling of protein sequence and biophysical properties (such as structural, functional, and spatial information, amino acid conservation, physicochemical variation, residue mobility, and thermodynamic stability) performed at Invitae indicates that this missense variant is not expected to disrupt LAMA2 protein function. In summary, the available evidence is currently insufficient to determine the role of this variant in disease. Therefore, it has been classified as a Variant of Uncertain Significance.

NM_000426.4(LAMA2):c.3887T>C (p.Ile1296Thr)

Gene: LAMA2 (laminin subunit alpha 2; plus strand). Cytogenetic location: 6q22.33.
Variant type: single nucleotide variant.
Coding change: c.3887T>C on transcript NM_000426.4 (MANE Select); coding-DNA position 3887, T replaced by C.
Protein change: p.Ile1296Thr; replaces isoleucine 1296 with threonine.
Molecular consequence: missense variant.
Genome position (GRCh38, 1-based): chr6:129,315,913, T>C. VCF-style: chr6-129315913-T-C. GRCh37 (hg19) VCF-style: chr6-129637058-T-C.
Other names: c.3887T>C, p.Ile1296Thr (NM_001079823.2); short protein forms I1296T.
Identifiers: ClinVar variation 1357382 (VCV001357382.5), dbSNP rs898902299, ClinGen allele CA146914343.
Genomic context (GRCh38, chr6:129,315,913, plus strand): 5'-TTCGAGGTGGGACACCTACTCATGCTAGAATTATCGTCAGGCATATGGCTGCTCCTCTGA[T>C]TGGCCAATTGACAAGGCATGAAATTGAAATGACAGAGGTAAAGTTAGTCATTGTTTGGTG-3'
Protein context (NP_000417.3, residues 1286-1306): IIVRHMAAPL[Ile1296Thr]GQLTRHEIEM